The following is an entry in ClinVar:

ClinVar aggregate classification (germline): Benign (1 of 4 stars; one submission).

gnomAD v4.1: 12,937 of 1,610,322 alleles (0.8%); highest among the groups gnomAD compares: African/African-American, 1.5%; 69 homozygotes.

Submission:

CeGaT Center for Human Genetics Tuebingen
Classification: Benign. Last evaluated: 2026-09-01. Review status: criteria provided, single submitter. Criteria: CeGaT Center For Human Genetics Tuebingen Variant Classification Criteria Version 2. Collection method: clinical testing. Allele origin: germline. Affected: yes. Observed: 20 variant alleles.
Comment: PIDD1: BP4, BP7, BS1, BS2

NM_145886.4(PIDD1):c.2193G>T (p.Arg731=)

Gene: PIDD1 (p53-induced death domain protein 1; minus strand). Cytogenetic location: 11p15.5.
Variant type: single nucleotide variant.
Coding change: c.2193G>T on transcript NM_145886.4 (MANE Select); coding-DNA position 2193, G replaced by T.
Protein change: p.Arg731=; no amino-acid change (arginine 731 retained).
Molecular consequence: synonymous variant.
Genome position (GRCh38, 1-based): chr11:800,212, C>A on the plus strand (G>T on the coding strand, the complement: PIDD1 is on the minus strand). VCF-style: chr11-800212-C-A. GRCh37 (hg19) VCF-style: chr11-800212-C-A.
Other names: c.2142G>T, p.Arg714= (NM_145887.4).
Identifiers: ClinVar variation 3770448 (VCV003770448.13).